The following is an entry in ClinVar:

ClinVar aggregate classification (germline): Benign (1 of 4 stars; one submission).

Allele frequency attached by ClinVar (database versions not stated): 1000 Genomes Project 0.06330; TOPMed 0.08091; gnomAD 0.13705.
gnomAD v4.1: 12,501 of 88,032 alleles (14%); highest among the groups gnomAD compares: Middle Eastern, 20%; 661 homozygotes.

Submissions (7):

GeneDx
Classification: Benign. Last evaluated: 2018-06-18. Review status: criteria provided, single submitter. Criteria: GeneDx Variant Classification (06012015). Collection method: clinical testing. Allele origin: germline. Affected: yes.
Comment: This variant is considered likely benign or benign based on one or more of the following criteria: it is a conservative change, it occurs at a poorly conserved position in the protein, it is predicted to be benign by multiple in silico algorithms, and/or has population frequency not consistent with disease.

Dr. Peter K. Rogan Lab, Western University
No classification provided (evidence only). Condition: Uterine corpus endometrial carcinoma. Review status: no classification provided. Collection method: in vitro. Allele origin: not applicable. Functional consequence: retained intron. Not counted in ClinVar's aggregate classification.

Dr. Peter K. Rogan Lab, Western University
No classification provided (evidence only). Condition: Cervical cancer. Review status: no classification provided. Collection method: in vitro. Allele origin: not applicable. Functional consequence: retained intron. Not counted in ClinVar's aggregate classification.

Dr. Peter K. Rogan Lab, Western University
No classification provided (evidence only). Condition: Sarcoma. Review status: no classification provided. Collection method: in vitro. Allele origin: not applicable. Functional consequence: retained intron. Not counted in ClinVar's aggregate classification.

Dr. Peter K. Rogan Lab, Western University
No classification provided (evidence only). Condition: Sarcoma. Review status: no classification provided. Collection method: in vitro. Allele origin: not applicable. Functional consequence: skipped exon. Not counted in ClinVar's aggregate classification.

Dr. Peter K. Rogan Lab, Western University
No classification provided (evidence only). Condition: Sarcoma. Review status: no classification provided. Collection method: in vitro. Allele origin: not applicable. Functional consequence: retained intron. Not counted in ClinVar's aggregate classification.

Dr. Peter K. Rogan Lab, Western University
No classification provided (evidence only). Condition: Malignant tumor of esophagus. Review status: no classification provided. Collection method: in vitro. Allele origin: not applicable. Functional consequence: skipped exon. Not counted in ClinVar's aggregate classification.

NM_001849.4(COL6A2):c.1332+286C>T

Gene: COL6A2 (collagen type VI alpha 2 chain; plus strand). Cytogenetic location: 21q22.3.
Variant type: single nucleotide variant.
Coding change: c.1332+286C>T on transcript NM_001849.4 (MANE Select); 286 bases into the intron after coding-DNA position 1332, C replaced by T.
Molecular consequence: intron variant.
Genome position (GRCh38, 1-based): chr21:46,120,136, C>T. VCF-style: chr21-46120136-C-T. GRCh37 (hg19) VCF-style: chr21-47540050-C-T.
Other names: NC_000021.8:g.47540050C>T; c.1332+286C>T (NM_058175.3, NM_058174.3).
Identifiers: ClinVar variation 671689 (VCV000671689.2), dbSNP rs6147541, ClinGen allele CA321966352.
Genomic context (GRCh38, chr21:46,120,136, plus strand): 5'-AGGCACCATTCACCCCCGGCCCACTGAGGCACCACTCACACCCCCCGGCCCCCACTGAGG[C>T]ACCTCTTACCCCCAGCCCACTGAGGCATTGCTCACCCACGTGACCTCAGGGGTGATGCTG-3'